The following is an entry in ClinVar:

ClinVar aggregate classification (germline): Benign/Likely benign. Review status: criteria provided, multiple submitters, no conflicts (2 of 4 stars). 5 submissions from 5 submitters: Benign (2); Likely benign (2). 1 of the submissions does not count toward it. Last evaluated 2026-01-18.

Conditions:
WAS-related disorder. Also called: WAS-related condition; WAS-Related Disorders. Identifiers: MedGen CN381538.
X-linked severe congenital neutropenia (SCNX). Identifiers: Orphanet 86788, MedGen C1845987, MONDO:0010294, OMIM 300299.
Thrombocytopenia 1. Also called: X-linked thrombocytopenia with normal platelets; X-Linked Thrombocytopenia (XLT); THROMBOCYTOPENIA, X-LINKED, 1. Identifiers: Orphanet 268322, Orphanet 852, MedGen C1839163, MONDO:0010743, OMIM 313900.
Wiskott-Aldrich syndrome (WAS). Also called: ALDRICH SYNDROME; IMMUNODEFICIENCY 2; WISKOTT-ALDRICH SYNDROME 1; Wiskott-aldrich syndrome, somatic. Identifiers: Orphanet 906, MedGen C0043194, MONDO:0010518, OMIM 301000.

Allele frequency attached by ClinVar (database versions not stated): TOPMed 0.00174; gnomAD exomes 0.00016 and 0.00037; 1000 Genomes Project 30x 0.00062; ExAC 0.00066; 1000 Genomes Project 0.00079; ESP Exome Variant Server 0.00091; gnomAD 0.00150 and 0.00160.
gnomAD v4.1: 342 of 1,200,701 alleles (0.028%); highest among the groups gnomAD compares: African/African-American, 0.57%; 3 homozygotes.

Submissions (5):

Labcorp Genetics (formerly Invitae), Labcorp
Classification: Benign for Wiskott-Aldrich syndrome; X-linked severe congenital neutropenia; Thrombocytopenia 1. Last evaluated: 2026-01-18. Review status: criteria provided, single submitter. Criteria: Invitae Variant Classification Sherloc (09022015). Collection method: clinical testing. Allele origin: germline.

Mayo Clinic Laboratories, Mayo Clinic
Classification: Benign. Last evaluated: 2025-06-05. Review status: criteria provided, single submitter. Criteria: ACMG Guidelines, 2015. Collection method: clinical testing. Allele origin: germline. Observed: 5 variant alleles.
Comment: BS1, BS2, BP4, PM1

Blueprint Genetics
Classification: Likely benign. Last evaluated: 2024-06-26. Review status: criteria provided, single submitter. Criteria: ACMG Guidelines, 2015. Collection method: clinical testing. Allele origin: germline.

Genetic Services Laboratory, University of Chicago
Classification: Likely benign. Last evaluated: 2018-12-05. Review status: criteria provided, single submitter. Criteria: ACMG Guidelines, 2015. Collection method: clinical testing. Allele origin: germline. Affected: no.

PreventionGenetics, part of Exact Sciences
Classification: Benign for WAS-related condition. Last evaluated: 2019-08-20. Review status: no assertion criteria provided. Collection method: clinical testing. Allele origin: germline. Not counted in ClinVar's aggregate classification.
Comment: This variant is classified as benign based on ACMG/AMP sequence variant interpretation guidelines (Richards et al. 2015 PMID: 25741868, with internal and published modifications).

NM_000377.3(WAS):c.1276G>T (p.Ala426Ser)

Gene: WAS (WASP actin nucleation promoting factor; plus strand). Cytogenetic location: Xp11.23.
Variant type: single nucleotide variant.
Coding change: c.1276G>T on transcript NM_000377.3 (MANE Select); coding-DNA position 1276, G replaced by T.
Protein change: p.Ala426Ser; replaces alanine 426 with serine.
Molecular consequence: missense variant.
Genome position (GRCh38, 1-based): chrX:48,689,004, G>T. VCF-style: chrX-48689004-G-T. GRCh37 (hg19) VCF-style: chrX-48547393-G-T.
Other names: p.Ala426Ser; short protein forms A426S.
Identifiers: ClinVar variation 695873 (VCV000695873.18), dbSNP rs201085962, ClinGen allele CA10404065.
Genomic context (GRCh38, chrX:48,689,004, plus strand): 5'-TCCGGGAATGGACCAGCCCCTCCCCCACTCCCTCCTGCTCTGGTGCCTGCCGGGGGCCTG[G>T]CCCCTGGTGGGGGTCGGGGAGCGCTTTTGGATCAAATCCGGCAGGGAATTCAGCTGAACA-3'
Protein context (NP_000368.1, residues 416-436): PPALVPAGGL[Ala426Ser]PGGGRGALLD